The following is an entry in ClinVar:

ClinVar aggregate classification (germline): Likely benign (1 of 4 stars; one submission).

gnomAD v4.1: 20 of 1,208,841 alleles (0.0017%); highest among the groups gnomAD compares: African/African-American, 0.018%; no homozygotes.

Submission:

CeGaT Center for Human Genetics Tuebingen
Classification: Likely benign. Last evaluated: 2025-04-01. Review status: criteria provided, single submitter. Criteria: CeGaT Center For Human Genetics Tuebingen Variant Classification Criteria Version 2. Collection method: clinical testing. Allele origin: germline. Affected: yes. Observed: 1 variant allele.
Comment: CCDC22: BP4, BP7, BS2

NM_014008.5(CCDC22):c.1386G>A (p.Ala462=)

Gene: CCDC22 (CCC complex scaffolding subunit CCDC22; plus strand). Cytogenetic location: Xp11.23.
Variant type: single nucleotide variant.
Coding change: c.1386G>A on transcript NM_014008.5 (MANE Select); coding-DNA position 1386, G replaced by A.
Protein change: p.Ala462=; no amino-acid change (alanine 462 retained).
Molecular consequence: synonymous variant.
Genome position (GRCh38, 1-based): chrX:49,248,689, G>A. VCF-style: chrX-49248689-G-A. GRCh37 (hg19) VCF-style: chrX-49105150-G-A.
Identifiers: ClinVar variation 3898311 (VCV003898311.7).